The following is an entry in ClinVar:

NM_004356.4(CD81):c.79G>A (p.Val27Met)

Gene: CD81 (CD81 molecule; plus strand). Cytogenetic location: 11p15.5.
Variant type: single nucleotide variant.
Coding change: c.79G>A on transcript NM_004356.4 (MANE Select); coding-DNA position 79, G replaced by A.
Protein change: p.Val27Met; replaces valine 27 with methionine.
Molecular consequence: missense variant. On other transcripts: 5 prime UTR variant (7).
Genome position (GRCh38, 1-based): chr11:2,390,424, G>A. VCF-style: chr11-2390424-G-A. GRCh37 (hg19) VCF-style: chr11-2411654-G-A.
Other names: c.-135G>A (NM_001297649.2, NM_001425129.1, NM_001425131.1 and 3 more transcripts); c.-131G>A (NM_001425130.1); c.79G>A, p.Val27Met (NM_001425135.1, NM_001425137.1); short protein forms V27M.
Identifiers: ClinVar variation 4692945 (VCV004692945.1).

ClinVar aggregate classification (germline): Uncertain significance (1 of 4 stars; one submission).

gnomAD v4.1: 21 of 1,612,448 alleles (0.0013%); highest among the groups gnomAD compares: Middle Eastern, 0.016%; no homozygotes.

Submission:

Labcorp Genetics (formerly Invitae), Labcorp
Classification: Uncertain significance. Last evaluated: 2025-11-04. Review status: criteria provided, single submitter. Criteria: Invitae Variant Classification Sherloc (09022015). Collection method: clinical testing. Allele origin: germline.
Comment: This sequence change replaces valine, which is neutral and non-polar, with methionine, which is neutral and non-polar, at codon 27 of the CD81 protein (p.Val27Met). This variant is present in population databases (no rsID available, gnomAD 0.002%). This variant has not been reported in the literature in individuals affected with CD81-related conditions. An algorithm developed to predict the effect of missense changes on protein structure and function (PolyPhen-2) suggests that this variant is likely to be disruptive. In summary, the available evidence is currently insufficient to determine the role of this variant in disease. Therefore, it has been classified as a Variant of Uncertain Significance.